The following is an entry in ClinVar:

ClinVar aggregate classification (germline): Uncertain significance (1 of 4 stars; one submission).

Submission:

Labcorp Genetics (formerly Invitae), Labcorp
Classification: Uncertain significance. Last evaluated: 2026-01-05. Review status: criteria provided, single submitter. Criteria: Invitae Variant Classification Sherloc (09022015). Collection method: clinical testing. Allele origin: germline.
Comment: This sequence change replaces aspartic acid, which is acidic and polar, with glycine, which is neutral and non-polar, at codon 11 of the DVL1 protein (p.Asp11Gly). This variant is not present in population databases (gnomAD no frequency). This variant has not been reported in the literature in individuals affected with DVL1-related conditions. ClinVar contains an entry for this variant (Variation ID: 2107397). Invitae Evidence Modeling of protein sequence and biophysical properties (such as structural, functional, and spatial information, amino acid conservation, physicochemical variation, residue mobility, and thermodynamic stability) has been performed for this missense variant. However, the output from this modeling did not meet the statistical confidence thresholds required to predict the impact of this variant on DVL1 protein function. In summary, the available evidence is currently insufficient to determine the role of this variant in disease. Therefore, it has been classified as a Variant of Uncertain Significance.

NM_001330311.2(DVL1):c.32A>G (p.Asp11Gly)

Gene: DVL1 (dishevelled segment polarity protein 1; minus strand). Cytogenetic location: 1p36.33.
Variant type: single nucleotide variant.
Coding change: c.32A>G on transcript NM_001330311.2 (MANE Select); coding-DNA position 32, A replaced by G.
Protein change: p.Asp11Gly; replaces aspartic acid 11 with glycine.
Molecular consequence: missense variant.
Genome position (GRCh38, 1-based): chr1:1,349,034, T>C on the plus strand (A>G on the coding strand, the complement: DVL1 is on the minus strand). VCF-style: chr1-1349034-T-C. GRCh37 (hg19) VCF-style: chr1-1284414-T-C.
Other names: c.32A>G, p.Asp11Gly (NM_004421.3); short protein forms D11G.
Identifiers: ClinVar variation 2107397 (VCV002107397.4), dbSNP rs2523251484, ClinGen allele CA337879794.